The following is an entry in ClinVar:

ClinVar aggregate classification (germline): Likely benign. Review status: criteria provided, multiple submitters, no conflicts (2 of 4 stars). 2 submissions from 2 submitters: Likely benign (2). Last evaluated 2026-04-01.

Conditions:
Nephronophthisis. Also called: Juvenile Nephronophthisis. Identifiers: Orphanet 655, MedGen C0687120, MONDO:0019005, HP:0000090.
Joubert syndrome. Also called: JOUBERT-BOLTSHAUSER SYNDROME; Familial aplasia of the vermis. Identifiers: Orphanet 475, MedGen C5979921, MONDO:0018772.
Meckel-Gruber syndrome. Also called: Dysencephalia splachnocystica; DYSENCEPHALIA SPLANCHNOCYSTICA; GRUBER SYNDROME. Identifiers: Orphanet 564, MedGen C0265215, MONDO:0018921.

Allele frequency attached by ClinVar (database versions not stated): ExAC 0.00002; gnomAD 0.00002 and 0.00003; gnomAD exomes 0.00002; TOPMed 0.00004.
gnomAD v4.1: 28 of 1,613,700 alleles (0.0017%); highest among the groups gnomAD compares: Non-Finnish European, 0.0021%; no homozygotes.

Submissions (2):

CeGaT Center for Human Genetics Tuebingen
Classification: Likely benign. Last evaluated: 2026-04-01. Review status: criteria provided, single submitter. Criteria: CeGaT Center For Human Genetics Tuebingen Variant Classification Criteria Version 2. Collection method: clinical testing. Allele origin: germline. Affected: yes. Observed: 2 variant alleles.
Comment: CEP290: BP4, BP7

Labcorp Genetics (formerly Invitae), Labcorp
Classification: Likely benign for Joubert syndrome; Meckel-Gruber syndrome; Nephronophthisis. Last evaluated: 2025-06-22. Review status: criteria provided, single submitter. Criteria: Invitae Variant Classification Sherloc (09022015). Collection method: clinical testing. Allele origin: germline.

NM_025114.4(CEP290):c.5112A>G (p.Leu1704=)

Gene: CEP290 (centrosomal protein 290; minus strand). Cytogenetic location: 12q21.32.
Variant type: single nucleotide variant.
Coding change: c.5112A>G on transcript NM_025114.4 (MANE Select); coding-DNA position 5112, A replaced by G.
Protein change: p.Leu1704=; no amino-acid change (leucine 1704 retained).
Molecular consequence: synonymous variant.
Genome position (GRCh38, 1-based): chr12:88,080,296, T>C on the plus strand (A>G on the coding strand, the complement: CEP290 is on the minus strand). VCF-style: chr12-88080296-T-C. GRCh37 (hg19) VCF-style: chr12-88474073-T-C.
Identifiers: ClinVar variation 1112129 (VCV001112129.31), dbSNP rs758459529, ClinGen allele CA6711792.